The following is an entry in ClinVar:

NM_000834.5(GRIN2B):c.1440_1443dup (p.Thr482fs)

Gene: GRIN2B (glutamate ionotropic receptor NMDA type subunit 2B; minus strand). Cytogenetic location: 12p13.1.
Variant type: Duplication.
Coding change: c.1440_1443dup on transcript NM_000834.5 (MANE Select); coding-DNA positions 1440 to 1443, 4 bases duplicated (GGTT; older notation c.1440_1443dupGGTT).
Protein change: p.Thr482fs; shifts the reading frame from threonine 482.
Molecular consequence: frameshift variant.
Genome position (GRCh38, 1-based): chr12:13,615,550-13,615,553, AACC duplicated on the plus strand (GGTT on the coding strand, the reverse complement: GRIN2B is on the minus strand); duplicating any 4 consecutive bases within chr12:13,615,550-13,615,554 gives the same sequence; the c. name uses the placement nearest the transcript's 3' end. VCF-style (leftmost placement, unchanged base first): chr12-13615549-T-TAACC. GRCh37 (hg19) VCF-style: chr12-13768483-T-TAACC.
Other names: c.1440_1443dupGGTT (NM_000834.3); short protein forms T482fs.
Identifiers: ClinVar variation 429224 (VCV000429224.2), dbSNP rs1131691268, ClinGen allele CA645369587.

ClinVar aggregate classification (germline): Pathogenic (1 of 4 stars; one submission).

Submission:

GeneDx
Classification: Pathogenic. Last evaluated: 2017-04-20. Review status: criteria provided, single submitter. Criteria: GeneDx Variant Classification (06012015). Collection method: clinical testing. Allele origin: germline. Affected: yes.
Comment: The c.1440_1443dupGGTT pathogenic variant in the GRIN2B gene causes a frameshift starting with Threonine 482, changes this amino acid to a Glycine residue, and creates a premature Stop codon at position 37 of the new reading frame, denoted p.Thr482GlyfsX37. This variant is predicted to cause loss of normal protein function either through protein truncation or nonsense-mediated mRNA decay. The c.1440_1443dupGGTT variant is not observed in large population cohorts (Lek et al., 2016; 1000 Genomes Consortium et al., 2015; Exome Variant Server).